The following is an entry in ClinVar:

NM_001356.5(DDX3X):c.1931A>G (p.Asn644Ser)

Gene: DDX3X (DEAD-box helicase 3 X-linked; plus strand). Cytogenetic location: Xp11.4.
Variant type: single nucleotide variant.
Coding change: c.1931A>G on transcript NM_001356.5 (MANE Select); coding-DNA position 1931, A replaced by G.
Protein change: p.Asn644Ser; replaces asparagine 644 with serine.
Molecular consequence: missense variant. On other transcripts: non-coding transcript variant (1).
Genome position (GRCh38, 1-based): chrX:41,347,661, A>G. VCF-style: chrX-41347661-A-G. GRCh37 (hg19) VCF-style: chrX-41206914-A-G.
Other names: c.1928A>G, p.Asn643Ser (NM_001193416.3); c.1883A>G, p.Asn628Ser (NM_001193417.3); c.1370A>G, p.Asn457Ser (NM_001363819.1); short protein forms N644S, N457S, N643S, N628S.
Identifiers: ClinVar variation 3018271 (VCV003018271.3), dbSNP rs1001358042, ClinGen allele CA329022125.
Genomic context (GRCh38, chrX:41,347,661, plus strand): 5'-ACTTCATTAATTTCTCTCTCTTTTTAAATCTCTCATTAGGTGGCTATGGAGGCTTTTACA[A>G]CAGTGATGGATATGGAGGAAATTATAACTCCCAGGGGGTTGACTGGTGGGGTAACTGAGC-3'
Protein context (NP_001347.3, residues 634-654): FGGGGYGGFY[Asn644Ser]SDGYGGNYNS

ClinVar aggregate classification (germline): Uncertain significance (1 of 4 stars; one submission).

Allele frequency attached by ClinVar (database versions not stated): gnomAD exomes below 0.00001.
gnomAD v4.1: 4 of 1,201,032 alleles (0.00033%); highest among the groups gnomAD compares: East Asian, 0.0089%; no homozygotes.

Submission:

Labcorp Genetics (formerly Invitae), Labcorp
Classification: Uncertain significance. Last evaluated: 2025-12-08. Review status: criteria provided, single submitter. Criteria: Invitae Variant Classification Sherloc (09022015). Collection method: clinical testing. Allele origin: germline.
Comment: This sequence change replaces asparagine, which is neutral and polar, with serine, which is neutral and polar, at codon 643 of the DDX3X protein (p.Asn643Ser). This variant is present in population databases (no rsID available, gnomAD 0.004%). This variant has not been reported in the literature in individuals affected with DDX3X-related conditions. ClinVar contains an entry for this variant (Variation ID: 3018271). Experimental studies and prediction algorithms are not available or were not evaluated, and the functional significance of this variant is currently unknown. In summary, the available evidence is currently insufficient to determine the role of this variant in disease. Therefore, it has been classified as a Variant of Uncertain Significance.